The following is an entry in ClinVar:

NM_032862.5(TIGD5):c.1293C>T (p.Arg431=)

Gene: TIGD5 (tigger transposable element derived 5; plus strand). Cytogenetic location: 8q24.3.
Variant type: single nucleotide variant.
Coding change: c.1293C>T on transcript NM_032862.5 (MANE Select); coding-DNA position 1293, C replaced by T.
Protein change: p.Arg431=; no amino-acid change (arginine 431 retained).
Molecular consequence: synonymous variant.
Genome position (GRCh38, 1-based): chr8:143,599,196, C>T. VCF-style: chr8-143599196-C-T. GRCh37 (hg19) VCF-style: chr8-144681366-C-T.
Identifiers: ClinVar variation 2658902 (VCV002658902.24), dbSNP rs2538377447, ClinGen allele CA463514891.
Genomic context (GRCh38, chr8:143,599,196, plus strand): 5'-ACATATCCCCGCACCGCTGGAGCAGGGCGTGGTGGCCGCCTTCAAACAGCTGTACAAGCG[C>T]GAGCTGCTGCGACTGGCTGTGTCCTGCGCCAGCGGCTCCCCGCTGGACTTCATGCGCAGC-3'
Protein context (NP_116251.4, residues 421-441): VVAAFKQLYK[Arg431=]ELLRLAVSCA

ClinVar aggregate classification (germline): Likely benign (1 of 4 stars; one submission).

Allele frequency attached by ClinVar (database versions not stated): gnomAD exomes below 0.00001.

Submission:

CeGaT Center for Human Genetics Tuebingen
Classification: Likely benign. Last evaluated: 2022-10-01. Review status: criteria provided, single submitter. Criteria: CeGaT Center For Human Genetics Tuebingen Variant Classification Criteria Version 2. Collection method: clinical testing. Allele origin: germline. Affected: yes. Observed: 1 variant allele.
Comment: TIGD5: PM2:Supporting, BP4, BP7